The following is an entry in ClinVar:

NM_001294.4(CLPTM1):c.363G>A (p.Thr121=)

Gene: CLPTM1 (CLPTM1 regulator of GABA type A receptor forward trafficking; plus strand). Cytogenetic location: 19q13.32.
Variant type: single nucleotide variant.
Coding change: c.363G>A on transcript NM_001294.4 (MANE Select); coding-DNA position 363, G replaced by A.
Protein change: p.Thr121=; no amino-acid change (threonine 121 retained).
Molecular consequence: synonymous variant.
Genome position (GRCh38, 1-based): chr19:44,974,492, G>A. VCF-style: chr19-44974492-G-A. GRCh37 (hg19) VCF-style: chr19-45477749-G-A.
Other names: c.321G>A, p.Thr107= (NM_001282175.2); c.57G>A, p.Thr19= (NM_001282176.2).
Identifiers: ClinVar variation 4980206 (VCV004980206.1).

ClinVar aggregate classification (germline): Likely benign (1 of 4 stars; one submission).

Conditions:
CLPTM1-related disorder. Also called: CLPTM1-related condition.

gnomAD v4.1: 210 of 1,614,128 alleles (0.013%); highest among the groups gnomAD compares: African/African-American, 0.21%; no homozygotes.

Submission:

PreventionGenetics, part of Exact Sciences
Classification: Likely benign for CLPTM1-related condition. Last evaluated: 2025-09-09. Review status: criteria provided, single submitter. Criteria: ACMG Guidelines, 2015. Collection method: clinical testing. Allele origin: germline.
Comment: This variant is classified as likely benign based on ACMG/AMP sequence variant interpretation guidelines (Richards et al. 2015 PMID: 25741868, with internal and published modifications).